The following is an entry in ClinVar:

NM_144573.4(NEXN):c.1739G>A (p.Gly580Glu)

Gene: NEXN (nexilin F-actin binding protein; plus strand). Cytogenetic location: 1p31.1.
Variant type: single nucleotide variant.
Coding change: c.1739G>A on transcript NM_144573.4 (MANE Select); coding-DNA position 1739, G replaced by A.
Protein change: p.Gly580Glu; replaces glycine 580 with glutamic acid.
Molecular consequence: missense variant.
Genome position (GRCh38, 1-based): chr1:77,942,540, G>A. VCF-style: chr1-77942540-G-A. GRCh37 (hg19) VCF-style: chr1-78408225-G-A.
Other names: c.1547G>A, p.Gly516Glu (NM_001172309.2); short protein forms G580E, G516E.
Identifiers: ClinVar variation 664341 (VCV000664341.12), dbSNP rs560530481, ClinGen allele CA918977.

ClinVar aggregate classification (germline): Uncertain significance. Review status: criteria provided, multiple submitters, no conflicts (2 of 4 stars). 5 submissions from 5 submitters: Uncertain significance (5). Last evaluated 2026-09-21.

Conditions:
Dilated cardiomyopathy 1CC (CMD1CC). Identifiers: Orphanet 154, MedGen C2751084, MONDO:0013147, OMIM 613122.
Hypertrophic cardiomyopathy 20. Identifiers: MedGen C3151267, MONDO:0013477, OMIM 613876.
Cardiovascular phenotype. Identifiers: MedGen CN230736.

Allele frequency attached by ClinVar (database versions not stated): ExAC 0.00001; 1000 Genomes Project 0.00020; 1000 Genomes Project 30x 0.00031; gnomAD exomes below 0.00001; TOPMed 0.00001; gnomAD 0.00001 and 0.00002.
gnomAD v4.1: 4 of 1,613,868 alleles (0.00025%); highest among the groups gnomAD compares: Admixed American, 0.0067%; no homozygotes.

Submissions (5):

Molecular Diagnostic Laboratory for Inherited Cardiovascular Disease, Montreal Heart Institute
Classification: Uncertain significance for Cardiovascular phenotype. Last evaluated: 2026-09-21. Review status: criteria provided, single submitter. Criteria: ACMG Guidelines, 2015. Collection method: clinical testing. Allele origin: germline. Affected: yes.
Comment: PM2

Ambry Genetics
Classification: Uncertain significance for Cardiovascular phenotype. Last evaluated: 2024-11-01. Review status: criteria provided, single submitter. Criteria: Ambry Variant Classification Scheme 2023. Collection method: clinical testing. Allele origin: germline.
Comment: The p.G580E variant (also known as c.1739G>A), located in coding exon 12 of the NEXN gene, results from a G to A substitution at nucleotide position 1739. The glycine at codon 580 is replaced by glutamic acid, an amino acid with similar properties. This amino acid position is conserved. In addition, the in silico prediction for this alteration is inconclusive. Based on the available evidence, the clinical significance of this variant remains unclear.

Labcorp Genetics (formerly Invitae), Labcorp
Classification: Uncertain significance for Dilated cardiomyopathy 1CC; Hypertrophic cardiomyopathy 20. Last evaluated: 2024-06-17. Review status: criteria provided, single submitter. Criteria: Invitae Variant Classification Sherloc (09022015). Collection method: clinical testing. Allele origin: germline.
Comment: This sequence change replaces glycine, which is neutral and non-polar, with glutamic acid, which is acidic and polar, at codon 580 of the NEXN protein (p.Gly580Glu). This variant is present in population databases (rs560530481, gnomAD 0.003%). This variant has not been reported in the literature in individuals affected with NEXN-related conditions. ClinVar contains an entry for this variant (Variation ID: 664341). Advanced modeling of protein sequence and biophysical properties (such as structural, functional, and spatial information, amino acid conservation, physicochemical variation, residue mobility, and thermodynamic stability) has been performed at Invitae for this missense variant, however the output from this modeling did not meet the statistical confidence thresholds required to predict the impact of this variant on NEXN protein function. In summary, the available evidence is currently insufficient to determine the role of this variant in disease. Therefore, it has been classified as a Variant of Uncertain Significance.

GeneDx
Classification: Uncertain significance. Last evaluated: 2023-10-12. Review status: criteria provided, single submitter. Criteria: GeneDx Variant Classification Process June 2021. Collection method: clinical testing. Allele origin: germline.
Comment: Has not been previously published as pathogenic or benign to our knowledge; Not observed at significant frequency in large population cohorts (gnomAD); In silico analysis supports that this missense variant does not alter protein structure/function

Baylor Genetics
Classification: Uncertain significance for Dilated cardiomyopathy 1CC. Last evaluated: 2020-06-01. Review status: criteria provided, single submitter. Criteria: ACMG Guidelines, 2015. Collection method: clinical testing. Allele origin: unknown. Affected: yes.
Comment: This variant was determined to be of uncertain significance according to ACMG Guidelines, 2015 [PMID:25741868].